The following is an entry in ClinVar:

ClinVar aggregate classification (germline): Uncertain significance (1 of 4 stars; one submission).

Allele frequency attached by ClinVar (database versions not stated): TOPMed below 0.00001; gnomAD exomes 0.00001; ExAC 0.00002.
gnomAD v4.1: 3 of 1,549,868 alleles (0.00019%); highest among the groups gnomAD compares: Admixed American, 0.0054%; no homozygotes.

Submission:

Labcorp Genetics (formerly Invitae), Labcorp
Classification: Uncertain significance. Last evaluated: 2021-01-16. Review status: criteria provided, single submitter. Criteria: Invitae Variant Classification Sherloc (09022015). Collection method: clinical testing. Allele origin: germline.
Comment: In summary, the available evidence is currently insufficient to determine the role of this variant in disease. Therefore, it has been classified as a Variant of Uncertain Significance. Advanced modeling of protein sequence and biophysical properties (such as structural, functional, and spatial information, amino acid conservation, physicochemical variation, residue mobility, and thermodynamic stability) performed at Invitae indicates that this missense variant is not expected to disrupt SI protein function. This variant has not been reported in the literature in individuals with SI-related conditions. This variant is present in population databases (rs180685608, ExAC 0.02%). This sequence change replaces asparagine with lysine at codon 845 of the SI protein (p.Asn845Lys). The asparagine residue is weakly conserved and there is a moderate physicochemical difference between asparagine and lysine.

NM_001041.4(SI):c.2535C>A (p.Asn845Lys)

Gene: SI (sucrase-isomaltase; minus strand). Cytogenetic location: 3q26.1.
Variant type: single nucleotide variant.
Coding change: c.2535C>A on transcript NM_001041.4 (MANE Select); coding-DNA position 2535, C replaced by A.
Protein change: p.Asn845Lys; replaces asparagine 845 with lysine.
Molecular consequence: missense variant.
Genome position (GRCh38, 1-based): chr3:165,033,425, G>T on the plus strand (C>A on the coding strand, the complement: SI is on the minus strand). VCF-style: chr3-165033425-G-T. GRCh37 (hg19) VCF-style: chr3-164751213-G-T.
Other names: short protein forms N845K.
Identifiers: ClinVar variation 1502968 (VCV001502968.6), dbSNP rs180685608, ClinGen allele CA2690634.